The following is an entry in ClinVar:

ClinVar aggregate classification (germline): Likely benign. Review status: criteria provided, multiple submitters, no conflicts (2 of 4 stars). 2 submissions from 2 submitters: Likely benign (2). Last evaluated 2023-11-01.

Conditions:
Neonatal-onset encephalopathy with rigidity and seizures. Also called: Lethal neonatal spasticity-epileptic encephalopathy syndrome. Identifiers: Orphanet 435845, MedGen C3281029, MONDO:0013784, OMIM 614498.

Allele frequency attached by ClinVar (database versions not stated): ExAC 0.00001.
gnomAD v4.1: 2 of 1,613,646 alleles (0.00012%); highest among the groups gnomAD compares: Non-Finnish European, 0.00017%; no homozygotes.

Submissions (2):

CeGaT Center for Human Genetics Tuebingen
Classification: Likely benign. Last evaluated: 2023-11-01. Review status: criteria provided, single submitter. Criteria: CeGaT Center For Human Genetics Tuebingen Variant Classification Criteria Version 2. Collection method: clinical testing. Allele origin: germline. Affected: yes. Observed: 1 variant allele.
Comment: BRAT1: PM2:Supporting, BP4, BP7

Labcorp Genetics (formerly Invitae), Labcorp
Classification: Likely benign for Neonatal-onset encephalopathy with rigidity and seizures. Last evaluated: 2022-08-16. Review status: criteria provided, single submitter. Criteria: Invitae Variant Classification Sherloc (09022015). Collection method: clinical testing. Allele origin: germline.

NM_152743.4(BRAT1):c.117C>T (p.Val39=)

Gene: BRAT1 (BRCA1 associated ATM activator 1; minus strand). Cytogenetic location: 7p22.3.
Variant type: single nucleotide variant.
Coding change: c.117C>T on transcript NM_152743.4 (MANE Select); coding-DNA position 117, C replaced by T.
Protein change: p.Val39=; no amino-acid change (valine 39 retained).
Molecular consequence: synonymous variant. On other transcripts: 5 prime UTR variant (1), non-coding transcript variant (1).
Genome position (GRCh38, 1-based): chr7:2,554,315, G>A on the plus strand (C>T on the coding strand, the complement: BRAT1 is on the minus strand). VCF-style: chr7-2554315-G-A. GRCh37 (hg19) VCF-style: chr7-2593949-G-A.
Other names: c.117C>T, p.Val39= (NM_001350626.2); c.-261C>T (NM_001350627.2).
Identifiers: ClinVar variation 2163181 (VCV002163181.27), dbSNP rs770566518, ClinGen allele CA4128319.